The following is an entry in ClinVar:

ClinVar aggregate classification (germline): Uncertain significance (1 of 4 stars; one submission).

Submission:

Ambry Genetics
Classification: Uncertain significance. Last evaluated: 2022-08-22. Review status: criteria provided, single submitter. Criteria: Ambry Variant Classification Scheme 2023. Collection method: clinical testing. Allele origin: germline.
Comment: The p.V108G variant (also known as c.323T>G), located in coding exon 3 of the BUB3 gene, results from a T to G substitution at nucleotide position 323. The valine at codon 108 is replaced by glycine, an amino acid with dissimilar properties. This amino acid position is conserved. In addition, the in silico prediction for this alteration is inconclusive. Since supporting evidence is limited at this time, the clinical significance of this alteration remains unclear.

NM_004725.4(BUB3):c.323T>G (p.Val108Gly)

Gene: BUB3 (BUB3 mitotic checkpoint protein; plus strand). Cytogenetic location: 10q26.13.
Variant type: single nucleotide variant.
Coding change: c.323T>G on transcript NM_004725.4 (MANE Select); coding-DNA position 323, T replaced by G.
Protein change: p.Val108Gly; replaces valine 108 with glycine.
Molecular consequence: missense variant.
Genome position (GRCh38, 1-based): chr10:123,157,786, T>G. VCF-style: chr10-123157786-T-G. GRCh37 (hg19) VCF-style: chr10-124917302-T-G.
Other names: c.323T>G, p.Val108Gly (NM_001007793.3); short protein forms V108G.
Identifiers: ClinVar variation 1729291 (VCV001729291.2), dbSNP rs2493759866, ClinGen allele CA378625457.